The following is an entry in ClinVar:

ClinVar aggregate classification (germline): Uncertain significance (1 of 4 stars; one submission).

Conditions:
Inborn genetic diseases. Identifiers: MedGen C0950123, MeSH D030342.

Submission:

Ambry Genetics
Classification: Uncertain significance for Inborn genetic diseases. Last evaluated: 2025-10-26. Review status: criteria provided, single submitter. Criteria: Ambry Variant Classification Scheme 2023. Collection method: clinical testing. Allele origin: germline.
Comment: The p.C1128R variant (also known as c.3382T>C), located in coding exon 15 of the MECOM gene, results from a T to C substitution at nucleotide position 3382. The cysteine at codon 1128 is replaced by arginine, an amino acid with highly dissimilar properties. This amino acid position is conserved. In addition, this alteration is predicted to be tolerated by in silico analysis. Based on the available evidence, the clinical significance of this variant remains unclear.

NM_004991.4(MECOM):c.3382T>C (p.Cys1128Arg)

Gene: MECOM (MDS1 and EVI1 complex locus; minus strand). Cytogenetic location: 3q26.2.
Variant type: single nucleotide variant.
Coding change: c.3382T>C on transcript NM_004991.4 (MANE Select); coding-DNA position 3382, T replaced by C.
Protein change: p.Cys1128Arg; replaces cysteine 1128 with arginine.
Molecular consequence: missense variant.
Genome position (GRCh38, 1-based): chr3:169,090,019, A>G on the plus strand (T>C on the coding strand, the complement: MECOM is on the minus strand). VCF-style: chr3-169090019-A-G. GRCh37 (hg19) VCF-style: chr3-168807807-A-G.
Other names: c.3013T>C, p.Cys1005Arg (NM_001105077.4); c.2818T>C, p.Cys940Arg (NM_001105078.4, NM_001205194.2, NM_001366469.2 and 1 more transcripts); c.2794T>C, p.Cys932Arg (NM_001163999.2, NM_001366470.2); c.2791T>C, p.Cys931Arg (NM_001164000.2, NM_001366471.2, NM_001366472.2); c.3355T>C, p.Cys1119Arg (NM_001366466.2); c.2821T>C, p.Cys941Arg (NM_001366467.2, NM_001366468.2); c.2383T>C, p.Cys795Arg (NM_001366473.2); c.1819T>C, p.Cys607Arg (NM_001366474.2); short protein forms C932R, C941R, C1005R, C795R, C1128R, C607R, C931R, C1119R.
Identifiers: ClinVar variation 4624667 (VCV004624667.1).